The following is an entry in ClinVar:

NM_001330700.2(TOP2B):c.396-25_396-5del

Gene: TOP2B (DNA topoisomerase II beta; minus strand). Cytogenetic location: 3p24.2.
Variant type: Deletion.
Coding change: c.396-25_396-5del on transcript NM_001330700.2 (MANE Select); 25 bases into the intron before coding-DNA position 396 through 5 bases into the intron before coding-DNA position 396, 21 bases deleted (TTTTTTTTTTTTTTTTTTTTT).
Molecular consequence: intron variant.
Genome position (GRCh38, 1-based): chr3:25,638,315-25,638,335, AAAAAAAAAAAAAAAAAAAAA deleted on the plus strand (TTTTTTTTTTTTTTTTTTTTT on the coding strand, the reverse complement: TOP2B is on the minus strand); deleting any 21 consecutive bases within chr3:25,638,315-25,638,352 gives the same sequence; the c. name uses the placement nearest the transcript's 3' end. VCF-style (leftmost placement, unchanged base first): chr3-25638314-TAAAAAAAAAAAAAAAAAAAAA-T. GRCh37 (hg19) VCF-style: chr3-25679805-TAAAAAAAAAAAAAAAAAAAAA-T.
Other names: c.381-25_381-5del (NM_001068.3).
Identifiers: ClinVar variation 1139321 (VCV001139321.31), dbSNP rs56986587, ClinGen allele CA2288901.
Genomic context (GRCh38, chr3:25,638,314, plus strand): 5'-TGTTCTACTACTGGAATGCCTTTCCCATTATTCCAAATGCTTATAATGTTAGATTCACTG[TAAAAAAAAAAAAAAAAAAAAA>T]AAAAAAAAAAAAAAAAAGCAGAATTTAGAGCTTAAAATAGTAAAGATAAATTAATTCATT-3'

ClinVar aggregate classification (germline): Benign/Likely benign. Review status: criteria provided, multiple submitters, no conflicts (2 of 4 stars). 2 submissions from 2 submitters: Benign (1); Likely benign (1). Last evaluated 2026-01-13.

Submissions (2):

Labcorp Genetics (formerly Invitae), Labcorp
Classification: Likely benign. Last evaluated: 2026-01-13. Review status: criteria provided, single submitter. Criteria: Invitae Variant Classification Sherloc (09022015). Collection method: clinical testing. Allele origin: germline.

CeGaT Center for Human Genetics Tuebingen
Classification: Benign. Last evaluated: 2023-07-01. Review status: criteria provided, single submitter. Criteria: CeGaT Center For Human Genetics Tuebingen Variant Classification Criteria Version 2. Collection method: clinical testing. Allele origin: germline. Affected: yes. Observed: 1 variant allele.
Comment: TOP2B: BP4, BS1, BS2